The following is an entry in ClinVar:

ClinVar aggregate classification (germline): Uncertain significance (1 of 4 stars; one submission).

Conditions:
Cardiovascular phenotype. Identifiers: MedGen CN230736.

Submission:

Ambry Genetics
Classification: Uncertain significance for Cardiovascular phenotype. Last evaluated: 2018-08-06. Review status: criteria provided, single submitter. Criteria: Ambry Variant Classification Scheme 2023. Collection method: clinical testing. Allele origin: germline.
Comment: The p.M3246L variant (also known as c.9736A>T), located in coding exon 68 of the RYR2 gene, results from an A to T substitution at nucleotide position 9736. The methionine at codon 3246 is replaced by leucine, an amino acid with highly similar properties. This amino acid position is well conserved in available vertebrate species; however, leucine is the reference amino acid in other vertebrate species. In addition, this alteration is predicted to be tolerated by in silico analysis. Since supporting evidence is limited at this time, the clinical significance of this alteration remains unclear.

NM_001035.3(RYR2):c.9736A>T (p.Met3246Leu)

Gene: RYR2 (ryanodine receptor 2; plus strand). Cytogenetic location: 1q43.
Variant type: single nucleotide variant.
Coding change: c.9736A>T on transcript NM_001035.3 (MANE Select); coding-DNA position 9736, A replaced by T.
Protein change: p.Met3246Leu; replaces methionine 3246 with leucine.
Molecular consequence: missense variant.
Genome position (GRCh38, 1-based): chr1:237,707,104, A>T. VCF-style: chr1-237707104-A-T. GRCh37 (hg19) VCF-style: chr1-237870404-A-T.
Other names: short protein forms M3246L.
Identifiers: ClinVar variation 1768031 (VCV001768031.2), dbSNP rs745839689, ClinGen allele CA345408678.